The following is an entry in ClinVar:

NM_001303052.2(MYT1L):c.2666A>G (p.Asp889Gly)

Gene: MYT1L (myelin transcription factor 1 like; minus strand). Cytogenetic location: 2p25.3.
Variant type: single nucleotide variant.
Coding change: c.2666A>G on transcript NM_001303052.2 (MANE Select); coding-DNA position 2666, A replaced by G.
Protein change: p.Asp889Gly; replaces aspartic acid 889 with glycine.
Molecular consequence: missense variant.
Genome position (GRCh38, 1-based): chr2:1,886,584, T>C on the plus strand (A>G on the coding strand, the complement: MYT1L is on the minus strand). VCF-style: chr2-1886584-T-C. GRCh37 (hg19) VCF-style: chr2-1890356-T-C.
Other names: c.2666A>G, p.Asp889Gly (NM_001329844.2, NM_001329845.1, NM_001329851.3); c.2660A>G, p.Asp887Gly (NM_001329846.3, NM_001329847.2, NM_001329848.1 and 3 more transcripts); short protein forms D887G, D889G.
Identifiers: ClinVar variation 4886616 (VCV004886616.2).
Genomic context (GRCh38, chr2:1,886,584, plus strand): 5'-GTCATTAAATCTTACTTGAGTTCTTGGGAGCTGGTGGCCAGCATACTTCGAATGCTTTTG[T>C]CCGCCAGGGGGCAGCCAGACAGACTGTAAGACAGGCCGGGACAGGCAGGTCAGTCAACTG-3'
Protein context (NP_001289981.1, residues 879-899): LITLSGCPLA[Asp889Gly]KSIRSMLATS

ClinVar aggregate classification (germline): Uncertain significance (1 of 4 stars; one submission).

Submission:

Dasa
Classification: Uncertain significance. Last evaluated: 2025-04-23. Review status: criteria provided, single submitter. Criteria: DASA Assertion Criteria. Collection method: clinical testing. Allele origin: germline.
Comment: NM_001303052.2(MYT1L):c.2666A>G (p.Asp889Gly) is a missense variant that results in the substitution of aspartic acid with glycine. This variant is absent from population databases. The currently available literature and clinical evidence are not sufficient to establish a definitive association between this variant and the reported condition. Therefore, this variant is classified as a variant of uncertain significance.